The following is an entry in ClinVar:

NM_001184900.3(CARD8):c.1556G>T (p.Arg519Ile)

Gene: CARD8 (caspase recruitment domain family member 8; minus strand). Cytogenetic location: 19q13.33.
Variant type: single nucleotide variant.
Coding change: c.1556G>T on transcript NM_001184900.3 (MANE Select); coding-DNA position 1556, G replaced by T.
Protein change: p.Arg519Ile; replaces arginine 519 with isoleucine.
Molecular consequence: missense variant. On other transcripts: 3 prime UTR variant (7), non-coding transcript variant (3), intron variant (1).
Genome position (GRCh38, 1-based): chr19:48,211,768, C>A on the plus strand (G>T on the coding strand, the complement: CARD8 is on the minus strand). VCF-style: chr19-48211768-C-A. GRCh37 (hg19) VCF-style: chr19-48715025-C-A.
Other names: c.1406G>T, p.Arg469Ile (NM_001184901.1, NM_001351783.2, NM_014959.5); c.*235G>T (NM_001184902.2, NM_001184903.1, NM_001351788.2 and 4 more transcripts); c.1556G>T, p.Arg519Ile (NM_001351782.2); c.1241G>T, p.Arg414Ile (NM_001351784.2); c.1220G>T, p.Arg407Ile (NM_001351786.2); c.1238G>T, p.Arg413Ile (NM_001365950.1); c.731G>T, p.Arg244Ile (NM_001426741.1); c.1033+3572G>T (NM_001351787.2); short protein forms R407I, R414I, R244I, R413I, R519I, R469I.
Identifiers: ClinVar variation 3021197 (VCV003021197.3), dbSNP rs549570428, ClinGen allele CA9547668.

ClinVar aggregate classification (germline): Uncertain significance (1 of 4 stars; one submission).

Allele frequency attached by ClinVar (database versions not stated): TOPMed below 0.00001; gnomAD 0.00001; gnomAD exomes 0.00001; ExAC 0.00002; 1000 Genomes Project 0.00020; 1000 Genomes Project 30x 0.00031.
gnomAD v4.1: 20 of 1,614,198 alleles (0.0012%); highest among the groups gnomAD compares: East Asian, 0.045%; no homozygotes.

Submission:

Labcorp Genetics (formerly Invitae), Labcorp
Classification: Uncertain significance. Last evaluated: 2023-05-31. Review status: criteria provided, single submitter. Criteria: Invitae Variant Classification Sherloc (09022015). Collection method: clinical testing. Allele origin: germline.
Comment: This variant is present in population databases (rs549570428, gnomAD 0.03%). In summary, the available evidence is currently insufficient to determine the role of this variant in disease. Therefore, it has been classified as a Variant of Uncertain Significance. An algorithm developed to predict the effect of missense changes on protein structure and function (PolyPhen-2) suggests that this variant is likely to be disruptive. This variant has not been reported in the literature in individuals affected with CARD8-related conditions. This sequence change replaces arginine, which is basic and polar, with isoleucine, which is neutral and non-polar, at codon 469 of the CARD8 protein (p.Arg469Ile).